The following is an entry in ClinVar:

NM_144498.4(OSBPL2):c.1043C>G (p.Pro348Arg)

Gene: OSBPL2 (oxysterol binding protein like 2; plus strand). Cytogenetic location: 20q13.33.
Variant type: single nucleotide variant.
Coding change: c.1043C>G on transcript NM_144498.4 (MANE Select); coding-DNA position 1043, C replaced by G.
Protein change: p.Pro348Arg; replaces proline 348 with arginine.
Molecular consequence: missense variant.
Genome position (GRCh38, 1-based): chr20:62,286,629, C>G. VCF-style: chr20-62286629-C-G. GRCh37 (hg19) VCF-style: chr20-60861685-C-G.
Other names: c.767C>G, p.Pro256Arg (NM_001278649.3, NM_001363878.2); c.1007C>G, p.Pro336Arg (NM_014835.5); short protein forms P256R, P336R, P348R.
Identifiers: ClinVar variation 3253278 (VCV003253278.1), dbSNP rs749879859.
Genomic context (GRCh38, chr20:62,286,629, plus strand): 5'-GTTCTGTGTTTCAGGATGAAGACTCCGGGAAGGCTGACAGCGACGTGGCTGACGACGTGC[C>G]TGTGGCCCAGGAGACCGTGCAGGTCATTCCTGGCAGCAAGCTGCTCTGGAGGATCAACAC-3'
Protein context (NP_653081.1, residues 338-358): KADSDVADDV[Pro348Arg]VAQETVQVIP

ClinVar aggregate classification (germline): Uncertain significance (1 of 4 stars; one submission).

Submission:

GeneDx
Classification: Uncertain significance. Last evaluated: 2023-12-10. Review status: criteria provided, single submitter. Criteria: GeneDx Variant Classification Process June 2021. Collection method: clinical testing. Allele origin: germline. Affected: yes.
Comment: Not observed at significant frequency in large population cohorts (gnomAD); In silico analysis supports that this missense variant has a deleterious effect on protein structure/function; Has not been previously published as pathogenic or benign to our knowledge